The following is an entry in ClinVar:

ClinVar aggregate classification (germline): Uncertain significance (1 of 4 stars; one submission).

Conditions:
Generalized epilepsy with febrile seizures plus, type 7 (GEFSP7). Also called: GEFS+, TYPE 7. Identifiers: Orphanet 36387, MedGen C2751778, MONDO:0013470, OMIM 613863.
Neuropathy, hereditary sensory and autonomic, type 2A (HSAN2A). Also called: MORVAN DISEASE; ACROOSTEOLYSIS, GIACCAI TYPE; ACROOSTEOLYSIS, NEUROGENIC; NEUROPATHY, CONGENITAL SENSORY; NEUROPATHY, HEREDITARY SENSORY RADICULAR, AUTOSOMAL RECESSIVE; NEUROPATHY, HEREDITARY SENSORY, TYPE IIA. Identifiers: Orphanet 970, MedGen C2752089, MONDO:0024309, OMIM 201300.

Submission:

Labcorp Genetics (formerly Invitae), Labcorp
Classification: Uncertain significance for Neuropathy, hereditary sensory and autonomic, type 2A; Generalized epilepsy with febrile seizures plus, type 7. Last evaluated: 2023-04-09. Review status: criteria provided, single submitter. Criteria: Invitae Variant Classification Sherloc (09022015). Collection method: clinical testing. Allele origin: germline.
Comment: In summary, the available evidence is currently insufficient to determine the role of this variant in disease. Therefore, it has been classified as a Variant of Uncertain Significance. Advanced modeling of protein sequence and biophysical properties (such as structural, functional, and spatial information, amino acid conservation, physicochemical variation, residue mobility, and thermodynamic stability) has been performed at Invitae for this missense variant, however the output from this modeling did not meet the statistical confidence thresholds required to predict the impact of this variant on SCN9A protein function. ClinVar contains an entry for this variant (Variation ID: 1362919). This variant has not been reported in the literature in individuals affected with SCN9A-related conditions. This variant is not present in population databases (gnomAD no frequency). This sequence change replaces valine, which is neutral and non-polar, with glycine, which is neutral and non-polar, at codon 831 of the SCN9A protein (p.Val831Gly).

NM_001365536.1(SCN9A):c.2525T>G (p.Val842Gly)

Genes: SCN1A-AS1 (SCN1A and SCN9A antisense RNA 1; plus strand), SCN9A (sodium voltage-gated channel alpha subunit 9; minus strand). Cytogenetic location: 2q24.3.
Variant type: single nucleotide variant.
Coding change: c.2525T>G on transcript NM_001365536.1 (MANE Select); coding-DNA position 2525, T replaced by G.
Protein change: p.Val842Gly; replaces valine 842 with glycine.
Molecular consequence: missense variant.
Genome position (GRCh38, 1-based): chr2:166,277,332, A>C on the plus strand (T>G on the coding strand, the complement: SCN9A is on the minus strand). VCF-style: chr2-166277332-A-C. GRCh37 (hg19) VCF-style: chr2-167133842-A-C.
Other names: c.2492T>G, p.Val831Gly (NM_002977.4); short protein forms V831G, V842G.
Identifiers: ClinVar variation 1362919 (VCV001362919.8), dbSNP rs2106469538, ClinGen allele CA349078143.